The following is an entry in ClinVar:

ClinVar aggregate classification (germline): Pathogenic (1 of 4 stars; one submission).

Conditions:
Duchenne muscular dystrophy (DMD). Also called: Duchenne Muscular Dystrophy (DMD); MUSCULAR DYSTROPHY, PSEUDOHYPERTROPHIC PROGRESSIVE, DUCHENNE TYPE. Identifiers: Orphanet 98896, MedGen C0013264, MONDO:0010679, OMIM 310200.

Submission:

Labcorp Genetics (formerly Invitae), Labcorp
Classification: Pathogenic for Duchenne muscular dystrophy. Last evaluated: 2024-02-01. Review status: criteria provided, single submitter. Criteria: Invitae Variant Classification Sherloc (09022015). Collection method: clinical testing. Allele origin: germline.
Comment: This sequence change creates a premature translational stop signal (p.Gln241*) in the DMD gene. It is expected to result in an absent or disrupted protein product. Loss-of-function variants in DMD are known to be pathogenic (PMID: 16770791, 25007885). This variant is not present in population databases (gnomAD no frequency). This premature translational stop signal has been observed in individual(s) with clinical features of DMD-related conditions (PMID: 16049303, 19783145). For these reasons, this variant has been classified as Pathogenic.

Literature cited by the submitters: PubMed 16770791; PubMed 25007885; PubMed 16049303; PubMed 19783145.

NM_004006.3(DMD):c.721C>T (p.Gln241Ter)

Gene: DMD (dystrophin; minus strand). Cytogenetic location: Xp21.1.
Variant type: single nucleotide variant.
Coding change: c.721C>T on transcript NM_004006.3 (MANE Select); coding-DNA position 721, C replaced by T.
Protein change: p.Gln241Ter; replaces glutamine 241 with a stop codon.
Molecular consequence: nonsense.
Genome position (GRCh38, 1-based): chrX:32,699,222, G>A on the plus strand (C>T on the coding strand, the complement: DMD is on the minus strand). VCF-style: chrX-32699222-G-A. GRCh37 (hg19) VCF-style: chrX-32717339-G-A.
Other names: c.697C>T, p.Gln233Ter (NM_000109.4); c.709C>T, p.Gln237Ter (NM_004009.3); c.352C>T, p.Gln118Ter (NM_004010.3); short protein forms Q118*, Q233*, Q237*, Q241*.
Identifiers: ClinVar variation 3724189 (VCV003724189.2), dbSNP rs2147605585.